The following is an entry in ClinVar:

NM_000535.7(PMS2):c.2232A>T (p.Glu744Asp)

Gene: PMS2 (PMS1 homolog 2, mismatch repair system component; minus strand). Cytogenetic location: 7p22.1.
Variant type: single nucleotide variant.
Coding change: c.2232A>T on transcript NM_000535.7 (MANE Select); coding-DNA position 2232, A replaced by T.
Protein change: p.Glu744Asp; replaces glutamic acid 744 with aspartic acid.
Molecular consequence: missense variant. On other transcripts: non-coding transcript variant (1).
Genome position (GRCh38, 1-based): chr7:5,978,639, T>A on the plus strand (A>T on the coding strand, the complement: PMS2 is on the minus strand). VCF-style: chr7-5978639-T-A. GRCh37 (hg19) VCF-style: chr7-6018270-T-A.
Other names: c.1827A>T, p.Glu609Asp (NM_001018040.1, NM_001322003.2, NM_001322004.2 and 15 more transcripts); c.2076A>T, p.Glu692Asp (NM_001322006.2, NM_001406870.1); c.1914A>T, p.Glu638Asp (NM_001322007.2, NM_001322008.2, NM_001406876.1 and 1 more transcripts); c.1671A>T, p.Glu557Asp (NM_001322010.2, NM_001406906.1, NM_001406907.1); c.1299A>T, p.Glu433Asp (NM_001322011.2, NM_001322012.2); c.1659A>T, p.Glu553Asp (NM_001322013.2, NM_001406908.1, NM_001406909.1); c.2232A>T, p.Glu744Asp (NM_001322014.2); c.1923A>T, p.Glu641Asp (NM_001322015.2, NM_001406875.1, NM_001406877.1 and 5 more transcripts); and 14 more; short protein forms E433D, E553D, E622D, E487D, E582D, E589D, E632D, E636D.
Identifiers: ClinVar variation 1788132 (VCV001788132.2), dbSNP rs2535392119, ClinGen allele CA366736676.
Genomic context (GRCh38, chr7:5,978,639, plus strand): 5'-TCTAATTAATAACTTACCATTTTCATCGATAACAAAATCAAAGCCATTCTTTCTAAATAT[T>A]TCCAGATTTTCTATCAGAACAGCTTCATTAACAGCAGTTAAGTTGAGAGTCTGAGGTCTG-3'
Protein context (NP_000526.2, residues 734-754): VNEAVLIENL[Glu744Asp]IFRKNGFDFV

ClinVar aggregate classification (germline): Uncertain significance (1 of 4 stars; one submission).

Conditions:
Hereditary cancer-predisposing syndrome. Also called: Neoplastic Syndromes, Hereditary; Tumor predisposition; Hereditary Cancer Syndrome; Hereditary neoplastic syndrome. Identifiers: Orphanet 140162, MedGen C0027672, MeSH D009386, MONDO:0015356.

Submission:

Ambry Genetics
Classification: Uncertain significance for Hereditary cancer-predisposing syndrome. Last evaluated: 2019-03-06. Review status: criteria provided, single submitter. Criteria: Ambry Variant Classification Scheme 2023. Collection method: clinical testing. Allele origin: germline.
Comment: The p.E744D variant (also known as c.2232A>T), located in coding exon 13 of the PMS2 gene, results from an A to T substitution at nucleotide position 2232. The glutamic acid at codon 744 is replaced by aspartic acid, an amino acid with highly similar properties. This amino acid position is not well conserved in available vertebrate species. In addition, this alteration is predicted to be tolerated by in silico analysis. Since supporting evidence is limited at this time, the clinical significance of this alteration remains unclear.